The following is an entry in ClinVar:

ClinVar aggregate classification (germline): Uncertain significance. Review status: criteria provided, multiple submitters, no conflicts (2 of 4 stars). 2 submissions from 2 submitters: Uncertain significance (2). Last evaluated 2024-02-07.

Conditions:
Hereditary cancer-predisposing syndrome. Also called: Neoplastic Syndromes, Hereditary; Tumor predisposition; Hereditary Cancer Syndrome; Hereditary neoplastic syndrome. Identifiers: Orphanet 140162, MedGen C0027672, MeSH D009386, MONDO:0015356.
Familial adenomatous polyposis 1 (FAP1). Also called: FAMILIAL ADENOMATOUS POLYPOSIS 1, ATTENUATED; POLYPOSIS, ADENOMATOUS INTESTINAL. Identifiers: MedGen C2713442, MONDO:0021056, OMIM 175100. Disease mechanism: loss of function.

Allele frequency attached by ClinVar (database versions not stated): gnomAD exomes below 0.00001.
gnomAD v4.1: 3 of 1,613,874 alleles (0.00019%); highest among the groups gnomAD compares: Non-Finnish European, 0.00017%; no homozygotes.

Submissions (2):

Labcorp Genetics (formerly Invitae), Labcorp
Classification: Uncertain significance for Familial adenomatous polyposis 1. Last evaluated: 2024-02-07. Review status: criteria provided, single submitter. Criteria: Invitae Variant Classification Sherloc (09022015). Collection method: clinical testing. Allele origin: germline.
Comment: This sequence change replaces arginine, which is basic and polar, with proline, which is neutral and non-polar, at codon 2226 of the APC protein (p.Arg2226Pro). This variant is present in population databases (no rsID available, gnomAD 0.004%). This variant has not been reported in the literature in individuals affected with APC-related conditions. ClinVar contains an entry for this variant (Variation ID: 648260). Advanced modeling of protein sequence and biophysical properties (such as structural, functional, and spatial information, amino acid conservation, physicochemical variation, residue mobility, and thermodynamic stability) performed at Invitae indicates that this missense variant is not expected to disrupt APC protein function with a negative predictive value of 95%. In summary, the available evidence is currently insufficient to determine the role of this variant in disease. Therefore, it has been classified as a Variant of Uncertain Significance.

Ambry Genetics
Classification: Uncertain significance for Hereditary cancer-predisposing syndrome. Last evaluated: 2023-09-22. Review status: criteria provided, single submitter. Criteria: Ambry Variant Classification Scheme 2023. Collection method: clinical testing. Allele origin: germline.
Comment: The p.R2226P variant (also known as c.6677G>C), located in coding exon 15 of the APC gene, results from a G to C substitution at nucleotide position 6677. The arginine at codon 2226 is replaced by proline, an amino acid with dissimilar properties. (Tung N et al. Cancer, 2015 Jan;121:25-33). This amino acid position is highly conserved in available vertebrate species. In addition, in silico predictors for this gene do not accurately predict pathogenicity. Since supporting evidence is limited at this time, the clinical significance of this alteration remains unclear.

Literature cited by the submitters: PubMed 25186627 (cited by Ambry Genetics).

NM_000038.6(APC):c.6677G>C (p.Arg2226Pro)

Gene: APC (APC regulator of Wnt signaling pathway; plus strand). Cytogenetic location: 5q22.2.
Variant type: single nucleotide variant.
Coding change: c.6677G>C on transcript NM_000038.6 (MANE Select); coding-DNA position 6677, G replaced by C.
Protein change: p.Arg2226Pro; replaces arginine 2226 with proline.
Molecular consequence: missense variant.
Genome position (GRCh38, 1-based): chr5:112,842,271, G>C. VCF-style: chr5-112842271-G-C. GRCh37 (hg19) VCF-style: chr5-112177968-G-C.
Other names: c.6677G>C, p.Arg2226Pro (NM_001127510.3, NM_001354895.2); c.6623G>C, p.Arg2208Pro (NM_001127511.3); c.6731G>C, p.Arg2244Pro (NM_001354896.2); c.6707G>C, p.Arg2236Pro (NM_001354897.2); c.6602G>C, p.Arg2201Pro (NM_001354898.2); c.6593G>C, p.Arg2198Pro (NM_001354899.2); c.6554G>C, p.Arg2185Pro (NM_001354900.2); c.6500G>C, p.Arg2167Pro (NM_001354901.2); and 5 more; short protein forms R1943P, R2066P, R2100P, R2135P, R2236P, R2167P, R2185P, R2201P.
Identifiers: ClinVar variation 648260 (VCV000648260.12), dbSNP rs1246580689, ClinGen allele CA16035933.